The following is an entry in ClinVar:

NM_007327.4(GRIN1):c.1467+202T>C

Gene: GRIN1 (glutamate ionotropic receptor NMDA type subunit 1; plus strand). Cytogenetic location: 9q34.3.
Variant type: single nucleotide variant.
Coding change: c.1467+202T>C on transcript NM_007327.4 (MANE Select); 202 bases into the intron after coding-DNA position 1467, T replaced by C.
Molecular consequence: intron variant.
Genome position (GRCh38, 1-based): chr9:137,161,618, T>C. VCF-style: chr9-137161618-T-C. GRCh37 (hg19) VCF-style: chr9-140056070-T-C.
Other names: c.1530+202T>C (NM_001185090.2, NM_001185091.2); c.1467+202T>C (NM_021569.4, NM_000832.7).
Identifiers: ClinVar variation 681625 (VCV000681625.1), dbSNP rs10870200, ClinGen allele CA13060859.

ClinVar aggregate classification (germline): Benign (1 of 4 stars; one submission).

Allele frequency attached by ClinVar (database versions not stated): TOPMed 0.69261 and 0.69349; 1000 Genomes Project 0.74002; gnomAD 0.67192.

Submission:

GeneDx
Classification: Benign. Last evaluated: 2018-06-14. Review status: criteria provided, single submitter. Criteria: GeneDx Variant Classification (06012015). Collection method: clinical testing. Allele origin: germline. Affected: yes.
Comment: This variant is considered likely benign or benign based on one or more of the following criteria: it is a conservative change, it occurs at a poorly conserved position in the protein, it is predicted to be benign by multiple in silico algorithms, and/or has population frequency not consistent with disease.